The following is an entry in ClinVar:

NM_001270508.2(TNFAIP3):c.1180T>C (p.Phe394Leu)

Gene: TNFAIP3 (TNF alpha induced protein 3; plus strand). Cytogenetic location: 6q23.3.
Variant type: single nucleotide variant.
Coding change: c.1180T>C on transcript NM_001270508.2 (MANE Select); coding-DNA position 1180, T replaced by C.
Protein change: p.Phe394Leu; replaces phenylalanine 394 with leucine.
Molecular consequence: missense variant.
Genome position (GRCh38, 1-based): chr6:137,878,625, T>C. VCF-style: chr6-137878625-T-C. GRCh37 (hg19) VCF-style: chr6-138199762-T-C.
Other names: c.1180T>C, p.Phe394Leu (NM_001270507.2, NM_006290.4); short protein forms F394L.
Identifiers: ClinVar variation 4696363 (VCV004696363.1).

ClinVar aggregate classification (germline): Uncertain significance (1 of 4 stars; one submission).

gnomAD v4.1: 2 of 1,614,262 alleles (0.00012%); highest among the groups gnomAD compares: Admixed American, 0.0017%; no homozygotes.

Submission:

Labcorp Genetics (formerly Invitae), Labcorp
Classification: Uncertain significance. Last evaluated: 2025-07-21. Review status: criteria provided, single submitter. Criteria: Invitae Variant Classification Sherloc (09022015). Collection method: clinical testing. Allele origin: germline.
Comment: This sequence change replaces phenylalanine, which is neutral and non-polar, with leucine, which is neutral and non-polar, at codon 394 of the TNFAIP3 protein (p.Phe394Leu). This variant is not present in population databases (gnomAD no frequency). This variant has not been reported in the literature in individuals affected with TNFAIP3-related conditions. Invitae Evidence Modeling of protein sequence and biophysical properties (such as structural, functional, and spatial information, amino acid conservation, physicochemical variation, residue mobility, and thermodynamic stability) indicates that this missense variant is not expected to disrupt TNFAIP3 protein function with a negative predictive value of 80%. In summary, the available evidence is currently insufficient to determine the role of this variant in disease. Therefore, it has been classified as a Variant of Uncertain Significance.